The following is an entry in ClinVar:

NM_001042492.3(NF1):c.6436A>G (p.Lys2146Glu)

Gene: NF1 (neurofibromin 1; plus strand). Cytogenetic location: 17q11.2.
Variant type: single nucleotide variant.
Coding change: c.6436A>G on transcript NM_001042492.3 (MANE Select); coding-DNA position 6436, A replaced by G.
Protein change: p.Lys2146Glu; replaces lysine 2146 with glutamic acid.
Molecular consequence: missense variant.
Genome position (GRCh38, 1-based): chr17:31,337,376, A>G. VCF-style: chr17-31337376-A-G. GRCh37 (hg19) VCF-style: chr17-29664394-A-G.
Other names: c.6373A>G, p.Lys2125Glu (NM_000267.4); short protein forms K2125E, K2146E.
Identifiers: ClinVar variation 826360 (VCV000826360.5), dbSNP rs1597843675, ClinGen allele CA399013004.

ClinVar aggregate classification (germline): Uncertain significance (1 of 4 stars; one submission).

Conditions:
Hereditary cancer-predisposing syndrome. Also called: Neoplastic Syndromes, Hereditary; Tumor predisposition; Hereditary neoplastic syndrome; Hereditary Cancer Syndrome. Identifiers: Orphanet 140162, MedGen C0027672, MeSH D009386, MONDO:0015356.
Cardiovascular phenotype. Identifiers: MedGen CN230736.

Submission:

Ambry Genetics
Classification: Uncertain significance for Cardiovascular phenotype; Hereditary cancer-predisposing syndrome. Last evaluated: 2023-03-07. Review status: criteria provided, single submitter. Criteria: Ambry Variant Classification Scheme 2023. Collection method: clinical testing. Allele origin: germline.
Comment: The p.K2125E variant (also known as c.6373A>G), located in coding exon 42 of the NF1 gene, results from an A to G substitution at nucleotide position 6373. The lysine at codon 2125 is replaced by glutamic acid, an amino acid with similar properties. This amino acid position is highly conserved in available vertebrate species. In addition, this alteration is predicted to be deleterious by in silico analysis. Since supporting evidence is limited at this time, the clinical significance of this alteration remains unclear.